The following is an entry in ClinVar:

ClinVar aggregate classification (germline): Uncertain significance (1 of 4 stars; one submission).

Conditions:
Inborn genetic diseases. Identifiers: MedGen C0950123, MeSH D030342.

Submission:

Ambry Genetics
Classification: Uncertain significance for Inborn genetic diseases. Last evaluated: 2026-03-14. Review status: criteria provided, single submitter. Criteria: Ambry Variant Classification Scheme 2023. Collection method: clinical testing. Allele origin: germline.
Comment: The p.D186G variant (also known as c.557A>G) is located in coding exon 5 of the HAX1 gene. The aspartic acid at codon 186 is replaced by glycine, an amino acid with similar properties. This change occurs in the first base pair of coding exon 5. This amino acid position is conserved. In addition, this alteration is predicted to be deleterious by in silico analysis. Based on the available evidence, the clinical significance of this variant remains unclear.

NM_006118.4(HAX1):c.557A>G (p.Asp186Gly)

Gene: HAX1 (HCLS1 associated protein X-1; plus strand). Cytogenetic location: 1q21.3.
Variant type: single nucleotide variant.
Coding change: c.557A>G on transcript NM_006118.4 (MANE Select); coding-DNA position 557, A replaced by G.
Protein change: p.Asp186Gly; replaces aspartic acid 186 with glycine.
Molecular consequence: missense variant.
Genome position (GRCh38, 1-based): chr1:154,275,154, A>G. VCF-style: chr1-154275154-A-G. GRCh37 (hg19) VCF-style: chr1-154247630-A-G.
Other names: c.413A>G, p.Asp138Gly (NM_001018837.2); short protein forms D186G, D138G.
Identifiers: ClinVar variation 3856908 (VCV003856908.2).